The following is an entry in ClinVar:

NM_000218.3(KCNQ1):c.1394-21797C>T

Genes: KCNQ1 (potassium voltage-gated channel subfamily Q member 1; plus strand), KCNQ1OT1 (KCNQ1 opposite strand/antisense transcript 1; minus strand). Cytogenetic location: 11p15.5.
Variant type: single nucleotide variant.
Coding change: c.1394-21797C>T on transcript NM_000218.3 (MANE Select); 21797 bases into the intron before coding-DNA position 1394, C replaced by T.
Molecular consequence: intron variant.
Genome position (GRCh38, 1-based): chr11:2,640,164, C>T. VCF-style: chr11-2640164-C-T. GRCh37 (hg19) VCF-style: chr11-2661394-C-T.
Other names: c.1124-21797C>T (NM_001406837.1); c.1298-21797C>T (NM_001406836.1); c.854-21797C>T (NM_001406838.1); c.1013-21797C>T (NM_181798.2).
Identifiers: ClinVar variation 2498483 (VCV002498483.28), dbSNP rs150513504, ClinGen allele CA216153493.

ClinVar aggregate classification (germline): Likely benign (1 of 4 stars; one submission).

Allele frequency attached by ClinVar (database versions not stated): 1000 Genomes Project 0.00359; 1000 Genomes Project 30x 0.00375; gnomAD 0.00544; TOPMed 0.00609; gnomAD exomes 0.00733.
gnomAD v4.1: 2,445 of 373,656 alleles (0.65%); highest among the groups gnomAD compares: Middle Eastern, 1.5%; 17 homozygotes.

Submission:

CeGaT Center for Human Genetics Tuebingen
Classification: Likely benign. Last evaluated: 2026-09-01. Review status: criteria provided, single submitter. Criteria: CeGaT Center For Human Genetics Tuebingen Variant Classification Criteria Version 2. Collection method: clinical testing. Allele origin: germline. Affected: yes. Observed: 76 variant alleles.
Comment: KCNQ1OT1: BS2